The following is an entry in ClinVar:

NM_000535.7(PMS2):c.550del (p.Met184fs)

Gene: PMS2 (PMS1 homolog 2, mismatch repair system component; minus strand). Cytogenetic location: 7p22.1.
Variant type: Deletion.
Coding change: c.550del on transcript NM_000535.7 (MANE Select); coding-DNA position 550, one base deleted (A; older notation c.550delA).
Protein change: p.Met184fs; shifts the reading frame from methionine 184.
Molecular consequence: frameshift variant. On other transcripts: non-coding transcript variant (1), intron variant (9).
Genome position (GRCh38, 1-based): chr7:5,999,263, T deleted on the plus strand (A on the coding strand, the reverse complement: PMS2 is on the minus strand); the first of 4 consecutive T bases (chr7:5,999,263-5,999,266); deleting any one gives the same sequence. VCF-style (leftmost placement, unchanged base first): chr7-5999262-AT-A. GRCh37 (hg19) VCF-style: chr7-6038893-AT-A.
Other names: c.142delA, p.Met49Trpfs (NM_001018040.1); c.145del, p.Met49fs (NM_001322003.2, NM_001322004.2, NM_001322005.2 and 21 more transcripts); c.550del, p.Met184fs (NM_001322006.2, NM_001322014.2, NM_001406869.1 and 5 more transcripts); c.232del, p.Met78fs (NM_001322007.2, NM_001322008.2, NM_001406876.1 and 4 more transcripts); c.241del, p.Met81fs (NM_001322015.2, NM_001406875.1, NM_001406877.1 and 6 more transcripts); c.736del, p.Met246fs (NM_001406866.1); c.574del, p.Met192fs (NM_001406868.1); c.132+3190del (NM_001406911.1); and 5 more; short protein forms M246fs, M49fs, M78fs, M184fs, M192fs, M81fs.
Identifiers: ClinVar variation 2698533 (VCV002698533.3), dbSNP rs2536326564, ClinGen allele CA2697557105.

ClinVar aggregate classification (germline): Pathogenic (1 of 4 stars; one submission).

Conditions:
Hereditary nonpolyposis colorectal neoplasms. Identifiers: MedGen C0009405, MeSH D003123.

Submission:

Labcorp Genetics (formerly Invitae), Labcorp
Classification: Pathogenic for Hereditary nonpolyposis colorectal neoplasms. Last evaluated: 2023-11-24. Review status: criteria provided, single submitter. Criteria: Invitae Variant Classification Sherloc (09022015). Collection method: clinical testing. Allele origin: germline.
Comment: This sequence change creates a premature translational stop signal (p.Met184Trpfs*17) in the PMS2 gene. It is expected to result in an absent or disrupted protein product. Loss-of-function variants in PMS2 are known to be pathogenic (PMID: 21376568, 24362816). This variant is not present in population databases (gnomAD no frequency). This premature translational stop signal has been observed in individual(s) with polyps (PMID: 34326862). For these reasons, this variant has been classified as Pathogenic.

Literature cited by the submitters: PubMed 21376568; PubMed 24362816; PubMed 34326862.